The following is an entry in ClinVar:

NM_001008723.2(CFAP58):c.1237G>A (p.Ala413Thr)

Gene: CFAP58 (cilia and flagella associated protein 58; plus strand). Cytogenetic location: 10q25.1.
Variant type: single nucleotide variant.
Coding change: c.1237G>A on transcript NM_001008723.2 (MANE Select); coding-DNA position 1237, G replaced by A.
Protein change: p.Ala413Thr; replaces alanine 413 with threonine.
Molecular consequence: missense variant.
Genome position (GRCh38, 1-based): chr10:104,380,092, G>A. VCF-style: chr10-104380092-G-A. GRCh37 (hg19) VCF-style: chr10-106139850-G-A.
Other names: c.1183G>A, p.Ala395Thr (NM_001400226.1, NM_001400227.1); short protein forms A395T, A413T.
Identifiers: ClinVar variation 2629218 (VCV002629218.1), dbSNP rs146462239, ClinGen allele CA5682785.
Genomic context (GRCh38, chr10:104,380,092, plus strand): 5'-ATGCTTAAGGCGGTCAATGCGACCCAGAAGCAGACAGACTTGGTAAAGCTCCATGAACAA[G>A]CCAAGAGGAACCTGGAGGGAGAAATCCAGAACTACAAGGATGAGGCTCAGAAGCAGAGAA-3'
Protein context (NP_001008723.1, residues 403-423): QTDLVKLHEQ[Ala413Thr]KRNLEGEIQN

ClinVar aggregate classification (germline): Uncertain significance (1 of 4 stars; one submission).

Conditions:
CFAP58-related disorder. Also called: CFAP58-related condition.

Allele frequency attached by ClinVar (database versions not stated): ExAC 0.00059; 1000 Genomes Project 30x 0.00031; gnomAD exomes 0.00037; ESP Exome Variant Server 0.00038; 1000 Genomes Project 0.00040; TOPMed 0.00043; gnomAD 0.00047.
gnomAD v4.1: 632 of 1,614,126 alleles (0.039%); highest among the groups gnomAD compares: Middle Eastern, 1.1%; 1 homozygote.

Submission:

PreventionGenetics, part of Exact Sciences
Classification: Uncertain significance for CFAP58-related condition. Last evaluated: 2023-05-15. Review status: criteria provided, single submitter. Criteria: ACMG Guidelines, 2015. Collection method: clinical testing. Allele origin: germline.
Comment: The CFAP58 c.1237G>A variant is predicted to result in the amino acid substitution p.Ala413Thr. To our knowledge, this variant has not been reported in the literature. This variant is reported in 0.15% of alleles in individuals of European (Finnish) descent in gnomAD. At this time, the clinical significance of this variant is uncertain due to the absence of conclusive functional and genetic evidence.